The following is an entry in ClinVar:

ClinVar aggregate classification (germline): Pathogenic (1 of 4 stars; one submission).

Conditions:
Zellweger spectrum disorders (ZS). Also called: Zellweger Spectrum Disorder (ZSD); Zellweger syndrome; Zellweger Spectrum Disorder; Zellweger Spectrum. Identifiers: Orphanet 912, MedGen C0043459, MONDO:0019609.

Submission:

Labcorp Genetics (formerly Invitae), Labcorp
Classification: Pathogenic for Zellweger spectrum disorders. Last evaluated: 2021-08-19. Review status: criteria provided, single submitter. Criteria: Invitae Variant Classification Sherloc (09022015). Collection method: clinical testing. Allele origin: germline.
Comment: This sequence change creates a premature translational stop signal (p.Gln655*) in the PEX1 gene. It is expected to result in an absent or disrupted protein product. Loss-of-function variants in PEX1 are known to be pathogenic (PMID: 9398847, 16086329, 16141001, 21031596, 26387595, 31831025). This variant is not present in population databases (ExAC no frequency). This variant has not been reported in the literature in individuals affected with PEX1-related conditions. For these reasons, this variant has been classified as Pathogenic.

Literature cited by the submitters: PubMed 9398847; PubMed 16086329; PubMed 16141001; PubMed 21031596; PubMed 26387595; PubMed 31831025.

NM_000466.3(PEX1):c.1963C>T (p.Gln655Ter)

Gene: PEX1 (peroxisomal biogenesis factor 1; minus strand). Cytogenetic location: 7q21.2.
Variant type: single nucleotide variant.
Coding change: c.1963C>T on transcript NM_000466.3 (MANE Select); coding-DNA position 1963, C replaced by T.
Protein change: p.Gln655Ter; replaces glutamine 655 with a stop codon.
Molecular consequence: nonsense. On other transcripts: intron variant (1).
Genome position (GRCh38, 1-based): chr7:92,504,840, G>A on the plus strand (C>T on the coding strand, the complement: PEX1 is on the minus strand). VCF-style: chr7-92504840-G-A. GRCh37 (hg19) VCF-style: chr7-92134154-G-A.
Other names: c.1339C>T, p.Gln447Ter (NM_001282678.2); c.1900+1408C>T (NM_001282677.2); short protein forms Q655*, Q447*.
Identifiers: ClinVar variation 1437796 (VCV001437796.6), dbSNP rs2116165809, ClinGen allele CA368183711.